The following is an entry in ClinVar:

NM_020928.2(ZSWIM6):c.3080A>C (p.Tyr1027Ser)

Gene: ZSWIM6 (zinc finger SWIM-type containing 6; plus strand). Cytogenetic location: 5q12.1.
Variant type: single nucleotide variant.
Coding change: c.3080A>C on transcript NM_020928.2 (MANE Select); coding-DNA position 3080, A replaced by C.
Protein change: p.Tyr1027Ser; replaces tyrosine 1027 with serine.
Molecular consequence: missense variant.
Genome position (GRCh38, 1-based): chr5:61,543,749, A>C. VCF-style: chr5-61543749-A-C. GRCh37 (hg19) VCF-style: chr5-60839576-A-C.
Other names: short protein forms Y1027S.
Identifiers: ClinVar variation 1515045 (VCV001515045.8), dbSNP rs757311369, ClinGen allele CA359946809.
Genomic context (GRCh38, chr5:61,543,749, plus strand): 5'-ACATAGCTTTTGAGACGGCGTACCAAATTGTTCTCGACGCTGCTACGACTGGCATGAGCT[A>C]TACACAGCTCTTTACAATAGCACGGTACATGGAGCACCGCGGGTACCCCATGAGGGCCTA-3'
Protein context (NP_065979.1, residues 1017-1037): VLDAATTGMS[Tyr1027Ser]TQLFTIARYM

ClinVar aggregate classification (germline): Uncertain significance (1 of 4 stars; one submission).

gnomAD v4.1: 1 of 1,551,790 alleles (0.000064%); highest among the groups gnomAD compares: South Asian, 0.0012%; no homozygotes.

Submission:

Labcorp Genetics (formerly Invitae), Labcorp
Classification: Uncertain significance. Last evaluated: 2021-03-08. Review status: criteria provided, single submitter. Criteria: Invitae Variant Classification Sherloc (09022015). Collection method: clinical testing. Allele origin: germline.
Comment: In summary, the available evidence is currently insufficient to determine the role of this variant in disease. Therefore, it has been classified as a Variant of Uncertain Significance. Algorithms developed to predict the effect of missense changes on protein structure and function are either unavailable or do not agree on the potential impact of this missense change (SIFT: "Deleterious"; PolyPhen-2: "Benign"; Align-GVGD: "Class C0"). This variant has not been reported in the literature in individuals with ZSWIM6-related conditions. This variant is not present in population databases (ExAC no frequency). This sequence change replaces tyrosine with serine at codon 1027 of the ZSWIM6 protein (p.Tyr1027Ser). The tyrosine residue is highly conserved and there is a large physicochemical difference between tyrosine and serine.